The following is an entry in ClinVar:

ClinVar aggregate classification (germline): Benign/Likely benign. Review status: criteria provided, multiple submitters, no conflicts (2 of 4 stars). 2 submissions from 2 submitters: Benign (1); Likely benign (1). Last evaluated 2024-07-08.

Conditions:
Oligodontia-cancer predisposition syndrome. Also called: TOOTH AGENESIS-COLORECTAL CANCER SYNDROME. Identifiers: Orphanet 300576, MedGen C1837750, MONDO:0012075, OMIM 608615. Disease mechanism: loss of function.

Submissions (2):

Myriad Genetics, Inc.
Classification: Benign for Oligodontia-cancer predisposition syndrome. Last evaluated: 2024-07-08. Review status: criteria provided, single submitter. Criteria: Myriad Autosomal Dominant, Autosomal Recessive and X-Linked Classification Criteria (2023). Collection method: clinical testing. Allele origin: unknown.
Comment: This variant is considered benign. This variant is a silent/synonymous amino acid change and it is not expected to impact splicing.

Labcorp Genetics (formerly Invitae), Labcorp
Classification: Likely benign for Oligodontia-cancer predisposition syndrome. Last evaluated: 2022-08-08. Review status: criteria provided, single submitter. Criteria: Invitae Variant Classification Sherloc (09022015). Collection method: clinical testing. Allele origin: germline.

NM_004655.4(AXIN2):c.1768C>T (p.Leu590=)

Gene: AXIN2 (axin 2; minus strand). Cytogenetic location: 17q24.1.
Variant type: single nucleotide variant.
Coding change: c.1768C>T on transcript NM_004655.4 (MANE Select); coding-DNA position 1768, C replaced by T.
Protein change: p.Leu590=; no amino-acid change (leucine 590 retained).
Molecular consequence: synonymous variant. On other transcripts: intron variant (1).
Genome position (GRCh38, 1-based): chr17:65,537,008, G>A on the plus strand (C>T on the coding strand, the complement: AXIN2 is on the minus strand). VCF-style: chr17-65537008-G-A. GRCh37 (hg19) VCF-style: chr17-63533126-G-A.
Other names: c.1712+316C>T (NM_001363813.1).
Identifiers: ClinVar variation 753397 (VCV000753397.9), dbSNP rs1344737332, ClinGen allele CA501691140.